The following is an entry in ClinVar:

NM_182961.4(SYNE1):c.24601G>A (p.Gly8201Arg)

Gene: SYNE1 (spectrin repeat containing nuclear envelope protein 1; minus strand). Cytogenetic location: 6q25.2.
Variant type: single nucleotide variant.
Coding change: c.24601G>A on transcript NM_182961.4 (MANE Select); coding-DNA position 24601, G replaced by A.
Protein change: p.Gly8201Arg; replaces glycine 8201 with arginine.
Molecular consequence: missense variant.
Genome position (GRCh38, 1-based): chr6:152,149,518, C>T on the plus strand (G>A on the coding strand, the complement: SYNE1 is on the minus strand). VCF-style: chr6-152149518-C-T. GRCh37 (hg19) VCF-style: chr6-152470653-C-T.
Other names: c.1207G>A, p.Gly403Arg (NM_001347701.2); c.1066G>A, p.Gly356Arg (NM_001347702.2); c.24388G>A, p.Gly8130Arg (NM_033071.5); short protein forms G8130R, G8201R, G356R, G403R.
Identifiers: ClinVar variation 284499 (VCV000284499.12), dbSNP rs886042886, ClinGen allele CA10604815.

ClinVar aggregate classification (germline): Uncertain significance. Review status: criteria provided, multiple submitters, no conflicts (2 of 4 stars). 3 submissions from 3 submitters: Uncertain significance (3). Last evaluated 2021-12-02.

Conditions:
Autosomal recessive ataxia, Beauce type. Also called: Spinocerebellar ataxia, autosomal recessive 8; ATAXIA, RECESSIVE, OF BEAUCE; SYNE1-Related Autosomal Recessive Cerebellar Ataxia; SYNE1 Deficiency. Identifiers: Orphanet 88644, MedGen C1853116, MONDO:0012549, OMIM 610743.
Emery-Dreifuss muscular dystrophy 4, autosomal dominant (EDMD4). Also called: EMERY-DREIFUSS MUSCULAR DYSTROPHY 4 WITH VARIABLE FEATURES. Identifiers: Orphanet 261, MedGen C2751807, MONDO:0013071, OMIM 612998.
Inborn genetic diseases. Identifiers: MedGen C0950123, MeSH D030342.

Allele frequency attached by ClinVar (database versions not stated): gnomAD 0.00001; gnomAD exomes 0.00001 and 0.00002; TOPMed 0.00003.
gnomAD v4.1: 19 of 1,614,046 alleles (0.0012%); highest among the groups gnomAD compares: Admixed American, 0.0083%; 1 homozygote.

Submissions (3):

Labcorp Genetics (formerly Invitae), Labcorp
Classification: Uncertain significance for Emery-Dreifuss muscular dystrophy 4, autosomal dominant; Autosomal recessive ataxia, Beauce type. Last evaluated: 2021-12-02. Review status: criteria provided, single submitter. Criteria: Invitae Variant Classification Sherloc (09022015). Collection method: clinical testing. Allele origin: germline.
Comment: This sequence change replaces glycine, which is neutral and non-polar, with arginine, which is basic and polar, at codon 8130 of the SYNE1 protein (p.Gly8130Arg). This variant is present in population databases (no rsID available, gnomAD 0.01%). This variant has not been reported in the literature in individuals affected with SYNE1-related conditions. ClinVar contains an entry for this variant (Variation ID: 284499). Algorithms developed to predict the effect of missense changes on protein structure and function are either unavailable or do not agree on the potential impact of this missense change (SIFT: "Deleterious"; PolyPhen-2: "Probably Damaging"; Align-GVGD: "Class C15"). In summary, the available evidence is currently insufficient to determine the role of this variant in disease. Therefore, it has been classified as a Variant of Uncertain Significance.

Ambry Genetics
Classification: Uncertain significance for Inborn genetic diseases. Last evaluated: 2021-08-10. Review status: criteria provided, single submitter. Criteria: Ambry Variant Classification Scheme 2023. Collection method: clinical testing. Allele origin: germline.

Eurofins Ntd Llc (ga)
Classification: Uncertain significance. Last evaluated: 2015-11-12. Review status: criteria provided, single submitter. Criteria: EGL Classification Definitions 2015. Collection method: clinical testing. Allele origin: germline. Observed: 1 variant allele, 1 heterozygote.